The following is an entry in ClinVar:

NM_000059.4(BRCA2):c.6766T>A (p.Cys2256Ser)

Gene: BRCA2 (BRCA2 DNA repair associated; plus strand). Cytogenetic location: 13q13.1.
Variant type: single nucleotide variant.
Coding change: c.6766T>A on transcript NM_000059.4 (MANE Select); coding-DNA position 6766, T replaced by A.
Protein change: p.Cys2256Ser; replaces cysteine 2256 with serine.
Molecular consequence: missense variant.
Genome position (GRCh38, 1-based): chr13:32,341,121, T>A. VCF-style: chr13-32341121-T-A. GRCh37 (hg19) VCF-style: chr13-32915258-T-A.
Other names: short protein forms C2256S.
Identifiers: ClinVar variation 630887 (VCV000630887.12), dbSNP rs559106452, ClinGen allele CA387791203.
Genomic context (GRCh38, chr13:32,341,121, plus strand): 5'-GAAGATGATGAACTGACAGATTCTAAACTGCCAAGTCATGCCACACATTCTCTTTTTACA[T>A]GTCCCGAAAATGAGGAAATGGTTTTGTCAAATTCAAGAATTGGAAAAAGAAGAGGAGAGC-3'
Protein context (NP_000050.3, residues 2246-2266): PSHATHSLFT[Cys2256Ser]PENEEMVLSN

ClinVar aggregate classification (germline): Conflicting classifications of pathogenicity. Review status: criteria provided, conflicting classifications (1 of 4 stars). 3 submissions from 3 submitters: Uncertain significance (2); Likely benign (1). Last evaluated 2023-12-05.

Conditions:
Hereditary breast ovarian cancer syndrome. Also called: Hereditary breast and ovarian cancer; Hereditary breast and ovarian cancer syndrome (HBOC); Breast and ovarian cancer; Hereditary breast and ovarian cancer syndrome; BRCA1- and BRCA2-Associated Hereditary Breast and Ovarian Cancer; Hereditary breast and/or ovarian cancer syndrome. Identifiers: Orphanet 145, MedGen C0677776, MeSH D061325, MONDO:0003582. Disease mechanism: loss of function.
Hereditary cancer-predisposing syndrome. Also called: Tumor predisposition; Neoplastic Syndromes, Hereditary; Hereditary neoplastic syndrome; Hereditary Cancer Syndrome. Identifiers: Orphanet 140162, MedGen C0027672, MeSH D009386, MONDO:0015356.

Submissions (3):

Color Diagnostics, LLC DBA Color Health
Classification: Uncertain significance for Hereditary cancer-predisposing syndrome. Last evaluated: 2023-12-05. Review status: criteria provided, single submitter. Criteria: ACMG Guidelines, 2015. Collection method: clinical testing. Allele origin: germline.
Comment: This missense variant replaces cysteine with serine at codon 2256 of the BRCA2 protein. Computational prediction suggests that this variant may not impact protein structure and function (internally defined REVEL score threshold <= 0.5, PMID: 27666373). To our knowledge, functional studies have not been reported for this variant. This variant has not been reported in individuals affected with BRCA2-related disorders in the literature. This variant has not been identified in the general population by the Genome Aggregation Database (gnomAD). The available evidence is insufficient to determine the role of this variant in disease conclusively. Therefore, this variant is classified as a Variant of Uncertain Significance.

University of Washington Department of Laboratory Medicine, University of Washington
Classification: Likely benign for Hereditary cancer-predisposing syndrome. Last evaluated: 2023-03-23. Review status: criteria provided, single submitter. Criteria: Dines et al. (Genet Med. 2020). Collection method: curation. Allele origin: germline.
Comment: Missense variant in a coldspot region where missense variants are very unlikely to be pathogenic (PMID:31911673).

BRCA2 exon 11 coldspot. Reclassification based on statistical prior probability.

Labcorp Genetics (formerly Invitae), Labcorp
Classification: Uncertain significance for Hereditary breast ovarian cancer syndrome. Last evaluated: 2022-07-18. Review status: criteria provided, single submitter. Criteria: Invitae Variant Classification Sherloc (09022015). Collection method: clinical testing. Allele origin: germline.
Comment: This variant is not present in population databases (gnomAD no frequency). This sequence change replaces cysteine, which is neutral and slightly polar, with serine, which is neutral and polar, at codon 2256 of the BRCA2 protein (p.Cys2256Ser). In summary, the available evidence is currently insufficient to determine the role of this variant in disease. Therefore, it has been classified as a Variant of Uncertain Significance. Advanced modeling of protein sequence and biophysical properties (such as structural, functional, and spatial information, amino acid conservation, physicochemical variation, residue mobility, and thermodynamic stability) performed at Invitae indicates that this missense variant is not expected to disrupt BRCA2 protein function. ClinVar contains an entry for this variant (Variation ID: 630887). This variant has not been reported in the literature in individuals affected with BRCA2-related conditions.